The following is an entry in ClinVar:

NM_198525.3(KIF7):c.1208T>C (p.Met403Thr)

Gene: KIF7 (kinesin family member 7; minus strand). Cytogenetic location: 15q26.1.
Variant type: single nucleotide variant.
Coding change: c.1208T>C on transcript NM_198525.3 (MANE Select); coding-DNA position 1208, T replaced by C.
Protein change: p.Met403Thr; replaces methionine 403 with threonine.
Molecular consequence: missense variant.
Genome position (GRCh38, 1-based): chr15:89,648,490, A>G on the plus strand (T>C on the coding strand, the complement: KIF7 is on the minus strand). VCF-style: chr15-89648490-A-G. GRCh37 (hg19) VCF-style: chr15-90191721-A-G.
Other names: short protein forms M403T.
Identifiers: ClinVar variation 1033264 (VCV001033264.1), dbSNP rs1419911490, ClinGen allele CA393771910.

ClinVar aggregate classification (germline): Uncertain significance (1 of 4 stars; one submission).

Conditions:
Multiple epiphyseal dysplasia, Al-Gazali type. Also called: Macrocephaly with multiple epiphyseal dysplasia and distinctive facies. Identifiers: Orphanet 166024, MedGen C1846722, MONDO:0011778, OMIM 607131.

Allele frequency attached by ClinVar (database versions not stated): gnomAD 0.00001; TOPMed 0.00001.

Submission:

Baylor Genetics
Classification: Uncertain significance for Multiple epiphyseal dysplasia, Al-Gazali type. Last evaluated: 2018-02-11. Review status: criteria provided, single submitter. Criteria: ACMG Guidelines, 2015. Collection method: clinical testing. Allele origin: unknown. Affected: yes.
Comment: This variant was determined to be of uncertain significance according to ACMG Guidelines, 2015 [PMID:25741868].